The following continues an entry in ClinVar:

NM_000256.3(MYBPC3):c.1504C>T (p.Arg502Trp)

Gene: MYBPC3. ClinVar aggregate classification (germline): Pathogenic/Likely pathogenic. Pathogenic (34); Likely pathogenic (2).

Submissions 7 to 18 of 41:

Color Diagnostics, LLC DBA Color Health
Classification: Pathogenic for Cardiomyopathy. Last evaluated: 2025-03-03. Review status: criteria provided, single submitter. Criteria: ACMG Guidelines, 2015. Collection method: clinical testing. Allele origin: germline.
Comment: This missense variant replaces arginine with tryptophan at codon 502 of the MYBPC3 protein. This variant is found within a highly conserved region of the Ig-like domain C3 (a.a. 485-502). Missense variants in this region have been shown to be significantly overrepresented in individuals with affected with hypertrophic cardiomyopathy (PMID: 30696458). Computational prediction suggests that this variant may have a deleterious impact on protein structure and function. A functional study has shown that this variant causes a loss of protein function with no evidence of the transcript or protein degradation, and may alter kinetics of cardiac muscle contraction and relaxation (PMID: 30554920). This variant is known to be the most common pathogenic mutation in a diverse cohort of individuals affected with hypertrophic cardiomyopathy, occurring in 2.4% (34/1414) of affected individuals in one large study (PMID: 20378854). It has been shown that this variant segregates with disease in multiple affected individuals across more than 25 families (PMID: 9562578, 20378854, 22386539). This variant has been reported in multiple unrelated individuals affected with hypertrophic cardiomyopathy, including children with severe phenotype (PMID: 12707239, 20378854, 22267749, 22555271, 23054336, 23396983, 23711808, 27532257, 29121657, 35653365, 37652022, 38186735, 38296631). This variant has been identified in 13/280632 chromosomes in the general population by the Genome Aggregation Database (gnomAD). A different variant affecting the same codon, p.Arg502Gln, is considered to be disease-causing (ClinVar variation ID: 42541), suggesting that arginine at this position is important for MYBPC3 protein function. Based on the available evidence, this variant is classified as Pathogenic.

Rady Children's Institute for Genomic Medicine, Rady Children's Hospital San Diego
Classification: Pathogenic for MYBPC3-related cardiomyopathies. Last evaluated: 2025-01-03. Review status: criteria provided, single submitter. Criteria: ACMG Guidelines, 2015. Collection method: clinical testing. Allele origin: germline. Affected: yes.
Comment: The c.1504C>T (p.Arg502Trp) variant affects a highly conserved amino acid and is predicted by multiple in silico tools to have a deleterious effect on protein function. This is a known Pathogenic variant that has been previously reported as a heterozygous and compound heterozygous change in patients with MYBPC3-related cardiomyopathies (PMID: 12707239, 23642604, 20378854, 25058872, 27532257, 29121657). Different amino acid changes at the same residue have been previously reported in individuals with MYBPC3-related cardiomyopathy (PMID: 9562578, 39237976, 27532257, 26090888, 37652022). Functional studies demonstrated that the c.1504C>T (p.Arg502Trp) variant results in altered protein function (PMID: 30554920). The c.1504C>T (p.Arg502Trp) variant is present in the latest version of the gnomAD population database at an allele frequency of 0.014% (233/1613896), and is absent in the homozygous state. Based on the available evidence, c.1504C>T (p.Arg502Trp) is classified as Pathogenic.

Dasa
Classification: Pathogenic. Last evaluated: 2024-12-16. Review status: criteria provided, single submitter. Criteria: DASA Assertion Criteria. Collection method: clinical testing. Allele origin: germline.
Comment: NM_000256.3(MYBPC3):c.1504C>T (p.Arg502Trp) is a missense variant that results in the substitution of arginine with tryptophan. The affected residue or protein region has prior evidence supporting clinical relevance. Segregation evidence has been reported in affected families. Functional evidence supports a deleterious effect on the gene or gene product (PMID: 20378854; PMID: 22267749; PMID: 25058872; PMID: 30554920). This variant has been recurrently observed in individuals with related phenotype (PMID: 20378854; PMID: 22267749; PMID: 25058872; PMID: 30554920). Multiple computational predictions support a deleterious effect on the gene or gene product. The variant is present at low frequency in population datasets. Based on the available data, this variant is classified as pathogenic.

Blueprint Genetics
Classification: Pathogenic for MYBPC3-related disorders. Last evaluated: 2024-11-08. Review status: criteria provided, single submitter. Criteria: ACMG Guidelines, 2015. Collection method: clinical testing. Allele origin: germline. Affected: yes. Observed: 5 variant alleles.

All of Us Research Program, National Institutes of Health
Classification: Pathogenic for Hypertrophic cardiomyopathy. Last evaluated: 2024-09-26. Review status: criteria provided, single submitter. Criteria: ACMG Guidelines, 2015. Collection method: clinical testing. Allele origin: germline. Inheritance: Autosomal dominant inheritance. Observed: 44 variant alleles, 44 heterozygotes.
Comment: This missense variant replaces arginine with tryptophan at codon 502 in the Ig-like domain C3 of the MYBPC3 protein. Computational prediction is inconclusive regarding the impact of this variant on protein structure and function (internally defined REVEL score threshold 0.5 < inconclusive < 0.7, PMID: 27666373). A functional study has shown that this variant causes a loss of protein function with no evidence of the transcript or protein degradation and may alter kinetics of cardiac muscle contraction and relaxation (PMID: 30554920). Loss of MYBPC3 function is a known mechanism of disease. This variant is known to be the most common pathogenic mutation in a diverse cohort of individuals affected with hypertrophic cardiomyopathy, occurring in 2.4% (34/1414) of the probands in one large study (PMID: 20378854). This variant has been shown to segregate with hypertrophic cardiomyopathy in over 25 families (PMID: 9562578, 20378854, 22386539). This variant has been reported in multiple unrelated affected individuals, including children with severe phenotype (PMID: 12707239, 22555271, 23054336, 23396983, 23711808, 27532257, 29121657, 35653365). This variant causes an estimated 340-fold increased risk for hypertrophic cardiomyopathy by 45 years of age, when more than 50% of carriers have overt disease (PMID: 20378854). This variant has been identified in 13/280632 chromosomes in the general population by the Genome Aggregation Database (gnomAD). A different missense variant occurring at the same codon, p.Arg502Gln, is pathogenic (Clinvar variation ID 42540), indicating that the arginine residue at this position is important for MYBPC3 protein function. Based on the available evidence, this variant is classified as Pathogenic.

This study involves interpretation of variants in research participants for the purpose of population health screening. Participant phenotype was not available at the time of variant classification. Additional details can be found in publication PMID: 35346344, PMCID: PMC8962531

Molecular Diagnostic Laboratory for Inherited Cardiovascular Disease, Montreal Heart Institute
Classification: Pathogenic for Cardiovascular phenotype. Last evaluated: 2024-08-07. Review status: criteria provided, single submitter. Criteria: ACMG Guidelines, 2015. Collection method: clinical testing. Allele origin: germline. Affected: yes.
Comment: PS3, PS4, PP1_strong, PM2, PM5, PP3

Mayo Clinic Laboratories, Mayo Clinic
Classification: Pathogenic. Last evaluated: 2024-08-01. Review status: criteria provided, single submitter. Criteria: ACMG Guidelines, 2015. Collection method: clinical testing. Allele origin: germline. Observed: 3 variant alleles.
Comment: PP3, PM2_supporting, PS4

Ambry Genetics
Classification: Pathogenic for Cardiovascular phenotype. Last evaluated: 2024-07-22. Review status: criteria provided, single submitter. Criteria: Ambry Variant Classification Scheme 2023. Collection method: clinical testing. Allele origin: germline.
Comment: The p.R502W pathogenic mutation (also known as c.1504C>T), located in coding exon 17 of the MYBPC3 gene, results from a C to T substitution at nucleotide position 1504. The arginine at codon 502 is replaced by tryptophan, an amino acid with dissimilar properties. This alteration, one of the most common pathogenic mutations in MYBPC3, has been reported in multiple unrelated patients with hypertrophic cardiomyopathy (HCM), and has been reported to segregate with disease in families (Richard P et al. Circulation. 2003;107(17):2227-32; Van Driest SL et al. J Am Coll Cardiol. 2004;44(9):1903-10; Saltzman AJ et al. Circ Res. 2010;106(9):1549-52; Kaski JP et al. Circ Cardiovasc Genet. 2012;5(3):317-26). Another alterations affecting this amino acid (p.R502Q, c.1505G>A) has also been reported in association with HCM (Niimura H et al. N Engl J Med. 1998;338(18):1248-57). This amino acid position is highly conserved in available vertebrate species. In addition, this alteration is predicted to be deleterious by in silico analysis. Based on the supporting evidence, this variant is interpreted as a disease-causing mutation.

Institute of Immunology and Genetics Kaiserslautern
Classification: Pathogenic for Hypertrophic cardiomyopathy 4. Last evaluated: 2024-04-23. Review status: criteria provided, single submitter. Criteria: ACMG Guidelines, 2015. Collection method: clinical testing. Allele origin: germline. Affected: yes.
Comment: ACMG Criteria: PP1_S,PP5,PM1,PM2_P,PM3,PM5,PS3; Variant was found in heterozygous state

North West Genomic Laboratory Hub, Manchester University NHS Foundation Trust
Classification: Pathogenic for Hypertrophic cardiomyopathy 4. Last evaluated: 2023-11-27. Review status: criteria provided, single submitter. Criteria: ACGS Best Practice Guidelines for Variant Classification in Rare Disease 2020. Collection method: clinical testing. Allele origin: germline. Affected: yes.
Comment: PM1_Mod PM2 PM5 PP1_Str PS4_Str

Revvity Omics, Revvity
Classification: Pathogenic. Last evaluated: 2023-09-29. Review status: criteria provided, single submitter. Criteria: ACMG Guidelines, 2015. Collection method: clinical testing. Allele origin: germline.

CHEO Genetics Diagnostic Laboratory, Children's Hospital of Eastern Ontario
Classification: Pathogenic for Cardiomyopathy. Last evaluated: 2023-06-14. Review status: criteria provided, single submitter. Criteria: ACMG Guidelines, 2015. Collection method: clinical testing. Allele origin: germline.